The following is an entry in ClinVar:

ClinVar aggregate classification (germline): Conflicting classifications of pathogenicity. Review status: criteria provided, conflicting classifications (1 of 4 stars). 4 submissions from 4 submitters: Uncertain significance (2); Benign (1); Likely benign (1). Last evaluated 2025-10-29.

Allele frequency attached by ClinVar (database versions not stated): gnomAD exomes 0.00014 and 0.00034; ExAC 0.00044; 1000 Genomes Project 0.00120; 1000 Genomes Project 30x 0.00125; ESP Exome Variant Server 0.00128; gnomAD 0.00143 and 0.00151; TOPMed 0.00165.

Submissions (4):

Women's Health and Genetics/Laboratory Corporation of America, LabCorp
Classification: Likely benign. Last evaluated: 2025-10-29. Review status: criteria provided, single submitter. Criteria: LabCorp Variant Classification Summary - May 2015. Collection method: clinical testing. Allele origin: germline.
Comment: Variant summary: ASAH1 c.-636_-630delCTTTGCT is located in the untranscribed region upstream of the ASAH1 gene region. The variant allele was found at a frequency of 0.00034 in 249026 control chromosomes, predominantly at a frequency of 0.0043 within the African or African-American subpopulation in the gnomAD database. The observed variant frequency within African or African-American control individuals in the gnomAD database exceeds the estimated maximal expected allele frequency for disease-causing variants in ASAH1. The variant as c.108_114delCTTTGCT has been reported in the literature in individuals affected with amyotrophic lateral sclerosis and high grade serous ovarian cancer (e.g. Dicks_2017, Pensato_2020). These report(s) do not provide unequivocal conclusions about association of the variant with Spinal muscular atrophy-progressive myoclonic epilepsy syndrome. To our knowledge, no experimental evidence demonstrating an impact on protein function has been reported. The following publications have been ascertained in the context of this evaluation (PMID: 28881617, Pensato_2020). ClinVar contains an entry for this variant (Variation ID: 1695223). Based on the evidence outlined above, the variant was classified as likely benign.

Blueprint Genetics
Classification: Uncertain significance. Last evaluated: 2024-11-25. Review status: criteria provided, single submitter. Criteria: ACMG Guidelines, 2015. Collection method: clinical testing. Allele origin: germline.

Athena Diagnostics
Classification: Benign. Last evaluated: 2024-10-24. Review status: criteria provided, single submitter. Criteria: Athena Diagnostics Criteria. Collection method: clinical testing. Allele origin: unknown.

CeGaT Center for Human Genetics Tuebingen
Classification: Uncertain significance. Last evaluated: 2022-05-01. Review status: criteria provided, single submitter. Criteria: CeGaT Center For Human Genetics Tuebingen Variant Classification Criteria Version 2. Collection method: clinical testing. Allele origin: germline. Affected: yes. Observed: 1 variant allele.

Literature cited by the submitters: PubMed 28881617 (cited by Women's Health and Genetics/Laboratory Corporation of America, LabCorp); PubMed 38664407 (cited by Athena Diagnostics).

NM_004315.6(ASAH1):c.108_114del (p.Ser36fs)

Gene: ASAH1 (N-acylsphingosine amidohydrolase 1; minus strand). Cytogenetic location: 8p22.
Variant type: Deletion.
Coding change: c.108_114del on transcript NM_004315.6; coding-DNA positions 108 to 114, 7 bases deleted (CTTTGCT; older notation c.108_114delCTTTGCT).
Protein change: p.Ser36fs; shifts the reading frame from serine 36.
Molecular consequence: frameshift variant. On other transcripts: genic upstream transcript variant (1).
Genome position (GRCh38, 1-based): chr8:18,084,688-18,084,694, AGCAAAG deleted on the plus strand (CTTTGCT on the coding strand, the reverse complement: ASAH1 is on the minus strand). VCF-style (leftmost placement, unchanged base first): chr8-18084687-CAGCAAAG-C. GRCh37 (hg19) VCF-style: chr8-17942196-CAGCAAAG-C.
Other names: c.108_114del, p.Ser36fs (NM_001127505.3); c.-636_-630delCTTTGCT (NM_177924.5); short protein forms S36fs.
Identifiers: ClinVar variation 1695223 (VCV001695223.31), dbSNP rs548868946, ClinGen allele CA4651208.
Genomic context (GRCh38, chr8:18,084,687, plus strand): 5'-TGAGAGAGAATCGAATCCACTCGGGTCCTCCAAGCTGTTGGTTACCCACTTGGGCTTTCA[CAGCAAAG>C]CTGCCAAATCCCAGAATTGAGGCCTCGGTGAAAAGCGCGCTGAGACTTGGGTAGGAGGCC-3'